The following is an entry in ClinVar:

NM_000059.4(BRCA2):c.4095T>A (p.Cys1365Ter)

Gene: BRCA2 (BRCA2 DNA repair associated; plus strand). Cytogenetic location: 13q13.1.
Variant type: single nucleotide variant.
Coding change: c.4095T>A on transcript NM_000059.4 (MANE Select); coding-DNA position 4095, T replaced by A.
Protein change: p.Cys1365Ter; replaces cysteine 1365 with a stop codon.
Molecular consequence: nonsense.
Genome position (GRCh38, 1-based): chr13:32,338,450, T>A. VCF-style: chr13-32338450-T-A. GRCh37 (hg19) VCF-style: chr13-32912587-T-A.
Other names: short protein forms C1365*.
Identifiers: ClinVar variation 51593 (VCV000051593.32), dbSNP rs80358658, ClinGen allele CA019517.

ClinVar aggregate classification (germline): Pathogenic. Review status: reviewed by expert panel (3 of 4 stars). 10 submissions from 10 submitters: Pathogenic (1). 9 of the submissions do not count toward it. Last evaluated 2016-09-08.

Conditions:
Hereditary cancer-predisposing syndrome. Also called: Neoplastic Syndromes, Hereditary; Tumor predisposition; Hereditary Cancer Syndrome; Hereditary neoplastic syndrome. Identifiers: Orphanet 140162, MedGen C0027672, MeSH D009386, MONDO:0015356.
Hereditary breast ovarian cancer syndrome. Also called: Hereditary breast and ovarian cancer syndrome; Hereditary breast and ovarian cancer; Hereditary breast and ovarian cancer syndrome (HBOC); Breast and ovarian cancer; Hereditary breast and/or ovarian cancer syndrome; BRCA1- and BRCA2-Associated Hereditary Breast and Ovarian Cancer. Identifiers: Orphanet 145, MedGen C0677776, MeSH D061325, MONDO:0003582. Disease mechanism: loss of function.
Familial cancer of breast. Also called: BREAST CANCER, FAMILIAL; Hereditary breast cancer; hereditary breast carcinoma. Identifiers: Orphanet 227535, MedGen C0346153, MONDO:0016419, OMIM 114480. Disease mechanism: loss of function.
Breast-ovarian cancer, familial, susceptibility to, 2 (BROVCA2). Also called: BRCA2 Hereditary Breast and Ovarian Cancer. Identifiers: Orphanet 145, MedGen C2675520, MONDO:0012933, OMIM 612555. Disease mechanism: loss of function.

Submissions (10):

Evidence-based Network for the Interpretation of Germline Mutant Alleles (ENIGMA)
Classification: Pathogenic for Breast-ovarian cancer, familial, susceptibility to, 2. Last evaluated: 2016-09-08. Review status: reviewed by expert panel. Criteria: ENIGMA BRCA1/2 Classification Criteria (2015). Collection method: curation. Allele origin: germline.
Comment: Variant allele predicted to encode a truncated non-functional protein.

Labcorp Genetics (formerly Invitae), Labcorp
Classification: Pathogenic for Hereditary breast ovarian cancer syndrome. Last evaluated: 2025-12-21. Review status: criteria provided, single submitter. Criteria: Invitae Variant Classification Sherloc (09022015). Collection method: clinical testing. Allele origin: germline. Not counted in ClinVar's aggregate classification.
Comment: This sequence change creates a premature translational stop signal (p.Cys1365*) in the BRCA2 gene. It is expected to result in an absent or disrupted protein product. Loss-of-function variants in BRCA2 are known to be pathogenic (PMID: 20104584). This variant is not present in population databases (gnomAD no frequency). This premature translational stop signal has been observed in individual(s) with breast and/or ovarian cancer (PMID: 29339979). ClinVar contains an entry for this variant (Variation ID: 51593). For these reasons, this variant has been classified as Pathogenic.

Center for Genomic Medicine, Rigshospitalet, Copenhagen University Hospital
Classification: Pathogenic. Last evaluated: 2025-03-04. Review status: criteria provided, single submitter. Criteria: ACMG Guidelines, 2015. Collection method: clinical testing. Allele origin: germline. Not counted in ClinVar's aggregate classification.

Ambry Genetics
Classification: Pathogenic for Hereditary cancer-predisposing syndrome. Last evaluated: 2024-05-29. Review status: criteria provided, single submitter. Criteria: Ambry Variant Classification Scheme 2023. Collection method: clinical testing. Allele origin: germline. Not counted in ClinVar's aggregate classification.
Comment: The p.C1365* pathogenic mutation (also known as c.4095T>A), located in coding exon 10 of the BRCA2 gene, results from a T to A substitution at nucleotide position 4095. This changes the amino acid from a cysteine to a stop codon within coding exon 10. In a large, clinic-based BRCA1/2 testing cohort in Norway, this variant was detected in 3 individuals from one family (Heramb C et al. Hered Cancer Clin Pract, 2018 Jan;16:3). This variant is considered to be rare based on population cohorts in the Genome Aggregation Database (gnomAD). In addition to the clinical data presented in the literature, this alteration is expected to result in loss of function by premature protein truncation or nonsense-mediated mRNA decay. As such, this alteration is interpreted as a disease-causing mutation.

Department of Clinical Genetics, Copenhagen University Hospital, Rigshospitalet
Classification: Pathogenic for Breast-ovarian cancer, familial, susceptibility to, 2. Last evaluated: 2024-05-27. Review status: criteria provided, single submitter. Criteria: ACMG Guidelines, 2015. Collection method: clinical testing. Allele origin: germline. Affected: yes. Not counted in ClinVar's aggregate classification.
Comment: PVS1; PM2_supporting; PM5_PTC_Strong

Baylor Genetics
Classification: Pathogenic for Familial cancer of breast. Last evaluated: 2024-02-16. Review status: criteria provided, single submitter. Criteria: ACMG Guidelines, 2015. Collection method: clinical testing. Allele origin: unknown. Not counted in ClinVar's aggregate classification.

Revvity Omics, Revvity
Classification: Pathogenic. Last evaluated: 2022-02-11. Review status: criteria provided, single submitter. Criteria: ACMG Guidelines, 2015. Collection method: clinical testing. Allele origin: germline. Not counted in ClinVar's aggregate classification.

Color Diagnostics, LLC DBA Color Health
Classification: Pathogenic for Hereditary cancer-predisposing syndrome. Last evaluated: 2020-01-15. Review status: criteria provided, single submitter. Criteria: ACMG Guidelines, 2015. Collection method: clinical testing. Allele origin: germline. Not counted in ClinVar's aggregate classification.
Comment: This variant changes 1 nucleotide in exon 11 of the BRCA2 gene, creating a premature translation stop signal. This variant is expected to result in an absent or non-functional protein product. This variant has not been identified in the general population by the Genome Aggregation Database (gnomAD). Loss of BRCA2 function is a known mechanism of disease. Based on the available evidence, this variant is classified as Pathogenic.

Department of Medical Genetics, Oslo University Hospital
Classification: Pathogenic for Breast-ovarian cancer, familial, susceptibility to, 2. Last evaluated: 2015-07-01. Review status: criteria provided, single submitter. Criteria: ACMG Guidelines, 2015. Collection method: clinical testing. Allele origin: germline. Affected: yes. Observed: 3 variant alleles. Not counted in ClinVar's aggregate classification.

Breast Cancer Information Core (BIC) (BRCA2)
Classification: Pathogenic for Breast-ovarian cancer, familial 2. Last evaluated: 2003-12-23. Review status: no assertion criteria provided. Collection method: clinical testing. Allele origin: germline. Affected: yes. Observed: 1 variant allele. Not counted in ClinVar's aggregate classification.

Literature cited by the submitters: PubMed 20104584 (cited by Labcorp Genetics (formerly Invitae), Labcorp); PubMed 29339979 (cited by 3 submitters).